The following is an entry in ClinVar:

ClinVar aggregate classification (germline): Likely risk allele. Review status: criteria provided, single submitter (1 of 4 stars). 3 submissions from 3 submitters: Likely risk allele (1). 2 of the submissions do not count toward it.

Conditions:
Diabetes mellitus, permanent neonatal 4. Also called: INS-Related Permanent Neonatal Diabetes Mellitus. Identifiers: MedGen C5394307, MONDO:0030089, OMIM 618858.
Permanent neonatal diabetes mellitus (PNDM). Identifiers: Orphanet 99885, MedGen C1833104, MONDO:0100164, MONDO:0011643. Disease mechanism: gain of function.

Submissions (3):

Clinical Genomics, Uppaluri K&H Personalized Medicine Clinic
Classification: Likely risk allele for Diabetes mellitus, permanent neonatal 4. Review status: criteria provided, single submitter. Criteria: K & H Uppaluri Personalized Medicine Clinic Variant Classification & Assertion Criteria_Updated V.1. Collection method: research. Allele origin: unknown.
Comment: Potent mutations in the INS gene can cause early-onset diabetes mellitus which is insulin dependent. It may have poor response to sulfonylureas, as mutations in this gene can cause beta cell destruction. rs80356672 variant can affect insulin biosynthesis and could be a contributing factor to the increased risk of diabetes. However, the role of this particular variant in diabetes patients is yet to be ascertained

GeneReviews
No classification provided. Condition: Permanent neonatal diabetes mellitus. Review status: no classification provided. Collection method: literature only. Allele origin: unknown. Not counted in ClinVar's aggregate classification.

UniProtKB/Swiss-Prot
No classification provided. Condition: Permanent neonatal diabetes mellitus. Review status: no classification provided. Collection method: not provided. Allele origin: not provided. Not counted in ClinVar's aggregate classification.

Literature cited by the submitters: PubMed 20938745 (cited by Clinical Genomics, Uppaluri K&H Personalized Medicine Clinic); PubMed 25542748 (cited by Clinical Genomics, Uppaluri K&H Personalized Medicine Clinic); PubMed 17047922 (cited by GeneReviews); PubMed 18171712 (cited by GeneReviews); PubMed 20301620 (cited by GeneReviews); NCBI Bookshelf NBK1447 (cited by GeneReviews).

NM_000207.3(INS):c.323A>G (p.Tyr108Cys)

Genes: INS (insulin; minus strand), INS-IGF2 (INS-IGF2 readthrough; minus strand). Cytogenetic location: 11p15.5.
Variant type: single nucleotide variant.
Coding change: c.323A>G on transcript NM_000207.3 (MANE Select); coding-DNA position 323, A replaced by G.
Protein change: p.Tyr108Cys; replaces tyrosine 108 with cysteine.
Molecular consequence: missense variant. On other transcripts: intron variant (1).
Genome position (GRCh38, 1-based): chr11:2,159,862, T>C on the plus strand (A>G on the coding strand, the complement: INS is on the minus strand). VCF-style: chr11-2159862-T-C. GRCh37 (hg19) VCF-style: chr11-2181092-T-C.
Other names: c.323A>G, p.Tyr108Cys (NM_001185097.2, NM_001185098.2, NM_001291897.2); c.187+923A>G (NM_001042376.3); short protein forms Y108C.
Identifiers: ClinVar variation 21120 (VCV000021120.4), dbSNP rs80356672, ClinGen allele CA341646.